The following is an entry in ClinVar:

ClinVar aggregate classification (germline): Uncertain significance (1 of 4 stars; one submission).

gnomAD v4.1: 1 of 1,555,612 alleles (0.000064%); highest among the groups gnomAD compares: African/African-American, 0.0014%; no homozygotes.

Submission:

Labcorp Genetics (formerly Invitae), Labcorp
Classification: Uncertain significance. Last evaluated: 2024-07-01. Review status: criteria provided, single submitter. Criteria: Invitae Variant Classification Sherloc (09022015). Collection method: clinical testing. Allele origin: germline.
Comment: This sequence change falls in intron 6 of the PPP2R1A gene. It does not directly change the encoded amino acid sequence of the PPP2R1A protein. It affects a nucleotide within the consensus splice site. This variant is present in population databases (no rsID available, gnomAD 0.01%). This variant has not been reported in the literature in individuals affected with PPP2R1A-related conditions. Variants that disrupt the consensus splice site are a relatively common cause of aberrant splicing (PMID: 17576681, 9536098). Algorithms developed to predict the effect of sequence changes on RNA splicing suggest that this variant is not likely to affect RNA splicing. In summary, the available evidence is currently insufficient to determine the role of this variant in disease. Therefore, it has been classified as a Variant of Uncertain Significance.

Literature cited by the submitters: PubMed 17576681; PubMed 9536098.

NM_014225.6(PPP2R1A):c.807+4G>C

Gene: PPP2R1A (protein phosphatase 2 scaffold subunit Aalpha; plus strand). Cytogenetic location: 19q13.41.
Variant type: single nucleotide variant.
Coding change: c.807+4G>C on transcript NM_014225.6 (MANE Select); 4 bases into the intron after coding-DNA position 807, G replaced by C.
Molecular consequence: intron variant.
Genome position (GRCh38, 1-based): chr19:52,213,114, G>C. VCF-style: chr19-52213114-G-C. GRCh37 (hg19) VCF-style: chr19-52716367-G-C.
Other names: c.270+4G>C (NM_001363656.2).
Identifiers: ClinVar variation 3678306 (VCV003678306.2).